The following is an entry in ClinVar:

NM_000535.7(PMS2):c.1197G>T (p.Lys399Asn)

Gene: PMS2 (PMS1 homolog 2, mismatch repair system component; minus strand). Cytogenetic location: 7p22.1.
Variant type: single nucleotide variant.
Coding change: c.1197G>T on transcript NM_000535.7 (MANE Select); coding-DNA position 1197, G replaced by T.
Protein change: p.Lys399Asn; replaces lysine 399 with asparagine.
Molecular consequence: missense variant. On other transcripts: non-coding transcript variant (1).
Genome position (GRCh38, 1-based): chr7:5,987,568, C>A on the plus strand (G>T on the coding strand, the complement: PMS2 is on the minus strand). VCF-style: chr7-5987568-C-A. GRCh37 (hg19) VCF-style: chr7-6027199-C-A.
Other names: c.792G>T, p.Lys264Asn (NM_001322003.2, NM_001322004.2, NM_001322005.2 and 1 more transcripts); c.1041G>T, p.Lys347Asn (NM_001322006.2); c.879G>T, p.Lys293Asn (NM_001322007.2, NM_001322008.2); c.636G>T, p.Lys212Asn (NM_001322010.2); c.264G>T, p.Lys88Asn (NM_001322011.2, NM_001322012.2); c.624G>T, p.Lys208Asn (NM_001322013.2); c.1197G>T, p.Lys399Asn (NM_001322014.2); c.888G>T, p.Lys296Asn (NM_001322015.2); short protein forms K212N, K264N, K293N, K347N, K399N, K208N, K296N, K88N.
Identifiers: ClinVar variation 924727 (VCV000924727.15), dbSNP rs757730609, ClinGen allele CA366742586.

ClinVar aggregate classification (germline): Conflicting classifications of pathogenicity. Review status: criteria provided, conflicting classifications (1 of 4 stars). 3 submissions from 3 submitters: Uncertain significance (2); Likely benign (1). Last evaluated 2025-10-06.

Conditions:
Hereditary nonpolyposis colorectal neoplasms. Identifiers: MedGen C0009405, MeSH D003123.
Hereditary cancer-predisposing syndrome. Also called: Neoplastic Syndromes, Hereditary; Tumor predisposition; Hereditary Cancer Syndrome; Hereditary neoplastic syndrome. Identifiers: Orphanet 140162, MedGen C0027672, MeSH D009386, MONDO:0015356.

Submissions (3):

Ambry Genetics
Classification: Likely benign for Hereditary cancer-predisposing syndrome. Last evaluated: 2025-10-06. Review status: criteria provided, single submitter. Criteria: Ambry Variant Classification Scheme 2023. Collection method: clinical testing. Allele origin: germline.

Color Diagnostics, LLC DBA Color Health
Classification: Uncertain significance for Hereditary cancer-predisposing syndrome. Last evaluated: 2023-12-04. Review status: criteria provided, single submitter. Criteria: ACMG Guidelines, 2015. Collection method: clinical testing. Allele origin: germline.
Comment: This missense variant replaces lysine with asparagine at codon 399 of the PMS2 protein. Computational prediction suggests that this variant may not impact protein structure and function (internally defined REVEL score threshold <= 0.5, PMID: 27666373). To our knowledge, functional studies have not been reported for this variant. This variant has not been reported in individuals affected with PMS2-related disorders in the literature. This variant has not been identified in the general population by the Genome Aggregation Database (gnomAD). The available evidence is insufficient to determine the role of this variant in disease conclusively. Therefore, this variant is classified as a Variant of Uncertain Significance.

Labcorp Genetics (formerly Invitae), Labcorp
Classification: Uncertain significance for Hereditary nonpolyposis colorectal neoplasms. Last evaluated: 2023-09-17. Review status: criteria provided, single submitter. Criteria: Invitae Variant Classification Sherloc (09022015). Collection method: clinical testing. Allele origin: germline.
Comment: In summary, the available evidence is currently insufficient to determine the role of this variant in disease. Therefore, it has been classified as a Variant of Uncertain Significance. Advanced modeling of protein sequence and biophysical properties (such as structural, functional, and spatial information, amino acid conservation, physicochemical variation, residue mobility, and thermodynamic stability) performed at Invitae indicates that this missense variant is not expected to disrupt PMS2 protein function. ClinVar contains an entry for this variant (Variation ID: 924727). This variant has not been reported in the literature in individuals affected with PMS2-related conditions. This variant is not present in population databases (gnomAD no frequency). This sequence change replaces lysine, which is basic and polar, with asparagine, which is neutral and polar, at codon 399 of the PMS2 protein (p.Lys399Asn).